The following is an entry in ClinVar:

NM_058216.3(RAD51C):c.1033G>C (p.Gly345Arg)

Gene: RAD51C (RAD51 paralog C; plus strand). Cytogenetic location: 17q22.
Variant type: single nucleotide variant.
Coding change: c.1033G>C on transcript NM_058216.3 (MANE Select); coding-DNA position 1033, G replaced by C.
Protein change: p.Gly345Arg; replaces glycine 345 with arginine.
Molecular consequence: missense variant. On other transcripts: non-coding transcript variant (1).
Genome position (GRCh38, 1-based): chr17:58,734,124, G>C. VCF-style: chr17-58734124-G-C. GRCh37 (hg19) VCF-style: chr17-56811485-G-C.
Other names: short protein forms G345R.
Identifiers: ClinVar variation 3730838 (VCV003730838.1).

ClinVar aggregate classification (germline): Uncertain significance (1 of 4 stars; one submission).

Conditions:
Hereditary breast ovarian cancer syndrome. Also called: Hereditary breast and ovarian cancer syndrome (HBOC); Hereditary breast and/or ovarian cancer syndrome; Hereditary breast and ovarian cancer syndrome; BRCA1- and BRCA2-Associated Hereditary Breast and Ovarian Cancer; Hereditary breast and ovarian cancer; Breast and ovarian cancer. Identifiers: Orphanet 145, MedGen C0677776, MeSH D061325, MONDO:0003582. Disease mechanism: loss of function.

Submission:

German Consortium for Hereditary Breast and Ovarian Cancer, University Hospital Cologne
Classification: Uncertain significance for Hereditary breast ovarian cancer syndrome. Last evaluated: 2024-12-10. Review status: criteria provided, single submitter. Criteria: ACMG Guidelines, 2015. Collection method: curation. Allele origin: germline.
Comment: According to the ACMG SVI adaptation criteria we chose these criteria: PM2 (supporting pathogenic): absent from gnomAD v2/3/4, PP3 (medium pathogenic): REVEL = 0.898 (thus [0.773, 0.932), as per Pejaver et al. (2022, PMID: 36413997))